The following is an entry in ClinVar:

ClinVar aggregate classification (germline): Pathogenic (1 of 4 stars; one submission).

Conditions:
Chromosome 16q22 deletion syndrome. Identifiers: Orphanet 658540, MedGen C3281152, MONDO:0013798, OMIM 614541.

Submission:

Suzhou Clinical Center for Rare Diseases in Children, Children's Hospital of Soochow University
Classification: Pathogenic for Chromosome 16q22 deletion syndrome. Last evaluated: 2024-09-01. Review status: criteria provided, single submitter. Criteria: ACMG/ClinGen CNV Guidelines, 2019. Collection method: clinical testing. Allele origin: de novo. Inheritance: Sporadic. Affected: yes. Observed: 1 heterozygote.
Comment: Copy number variation identified through the course of routine clinical cytogenomic testing in postnatal populations. Clinical assertions have been curated as described in Kaminsky et al. 2011.

Single allele

Genes: ACSF3 (acyl-CoA synthetase family member 3; plus strand), ADAD2 (adenosine deaminase domain containing 2; plus strand), ADAD2-AS1 (ADAD2 antisense RNA 1; minus strand), ADAMTS18 (ADAM metallopeptidase with thrombospondin type 1 motif 18; minus strand), ADAT1 (adenosine deaminase tRNA specific 1; minus strand) and 131 more. Cytogenetic location: 16q22.3-24.3.
Variant type: Duplication.
Identifiers: ClinVar variation 3362874 (VCV003362874.2).